The following is an entry in ClinVar:

ClinVar aggregate classification (germline): Uncertain significance (1 of 4 stars; one submission).

Conditions:
FZD4-related disorder. Also called: FZD4-related condition.

Submission:

PreventionGenetics, part of Exact Sciences
Classification: Uncertain significance for FZD4-related condition. Last evaluated: 2026-04-24. Review status: criteria provided, single submitter. Criteria: ACMG Guidelines, 2015. Collection method: clinical testing. Allele origin: germline.
Comment: The FZD4 c.459C>A variant is predicted to result in the amino acid substitution p.Asp153Glu. To our knowledge, this variant has not been reported in the literature. This variant is absent in a large population database (gnomAD), indicating this variant is rare. At this time, the clinical significance of this variant is uncertain due to the absence of conclusive functional and genetic evidence.

NM_012193.4(FZD4):c.459C>A (p.Asp153Glu)

Genes: FZD4 (frizzled class receptor 4; minus strand), PRSS23 (serine protease 23; plus strand). Cytogenetic location: 11q14.2.
Variant type: single nucleotide variant.
Coding change: c.459C>A on transcript NM_012193.4 (MANE Select); coding-DNA position 459, C replaced by A.
Protein change: p.Asp153Glu; replaces aspartic acid 153 with glutamic acid.
Molecular consequence: missense variant. On other transcripts: non-coding transcript variant (2).
Genome position (GRCh38, 1-based): chr11:86,952,297, G>T on the plus strand (C>A on the coding strand, the complement: FZD4 is on the minus strand). VCF-style: chr11-86952297-G-T. GRCh37 (hg19) VCF-style: chr11-86663339-G-T.
Other names: short protein forms D153E.
Identifiers: ClinVar variation 4995967 (VCV004995967.1).